The following is an entry in ClinVar:

NM_006265.3(RAD21):c.583T>C (p.Ser195Pro)

Gene: RAD21 (RAD21 cohesin complex component; minus strand). Cytogenetic location: 8q24.11.
Variant type: single nucleotide variant.
Coding change: c.583T>C on transcript NM_006265.3 (MANE Select); coding-DNA position 583, T replaced by C.
Protein change: p.Ser195Pro; replaces serine 195 with proline.
Molecular consequence: missense variant.
Genome position (GRCh38, 1-based): chr8:116,857,372, A>G on the plus strand (T>C on the coding strand, the complement: RAD21 is on the minus strand). VCF-style: chr8-116857372-A-G. GRCh37 (hg19) VCF-style: chr8-117869611-A-G.
Other names: short protein forms S195P.
Identifiers: ClinVar variation 2873239 (VCV002873239.3), dbSNP rs755363046, ClinGen allele CA4853045.
Genomic context (GRCh38, chr8:116,857,372, plus strand): 5'-ATTGATCTTCATATTCTAAATGGTTAATTTTCTCATTCAGATTGCTGGTGCTCTGTTCAG[A>G]CTCTAATAGGAGGTTAGAAGTAGTAGTGCTTACTAACATGTCGTCATCCTCAAAAGCACT-3'
Protein context (NP_006256.1, residues 185-205): STTTSNLLLE[Ser195Pro]EQSTSNLNEK

ClinVar aggregate classification (germline): Uncertain significance (1 of 4 stars; one submission).

Conditions:
Cornelia de Lange syndrome 4 (CDLS4). Also called: RAD21-Related Cornelia de Lange Syndrome; CORNELIA DE LANGE SYNDROME 4 WITH OR WITHOUT MIDLINE BRAIN DEFECTS. Identifiers: Orphanet 199, MedGen C3553517, MONDO:0013864, OMIM 614701.

Allele frequency attached by ClinVar (database versions not stated): gnomAD exomes below 0.00001; TOPMed below 0.00001; ExAC 0.00001; gnomAD 0.00001.
gnomAD v4.1: 3 of 1,612,816 alleles (0.00019%); highest among the groups gnomAD compares: East Asian, 0.0067%; no homozygotes.

Submission:

Labcorp Genetics (formerly Invitae), Labcorp
Classification: Uncertain significance for Cornelia de Lange syndrome 4. Last evaluated: 2024-10-24. Review status: criteria provided, single submitter. Criteria: Invitae Variant Classification Sherloc (09022015). Collection method: clinical testing. Allele origin: germline.
Comment: This sequence change replaces serine, which is neutral and polar, with proline, which is neutral and non-polar, at codon 195 of the RAD21 protein (p.Ser195Pro). This variant is present in population databases (rs755363046, gnomAD 0.02%). This variant has not been reported in the literature in individuals affected with RAD21-related conditions. Invitae Evidence Modeling of protein sequence and biophysical properties (such as structural, functional, and spatial information, amino acid conservation, physicochemical variation, residue mobility, and thermodynamic stability) indicates that this missense variant is not expected to disrupt RAD21 protein function with a negative predictive value of 95%. In summary, the available evidence is currently insufficient to determine the role of this variant in disease. Therefore, it has been classified as a Variant of Uncertain Significance.